The following is an entry in ClinVar:

ClinVar aggregate classification (germline): Uncertain significance (1 of 4 stars; one submission).

Conditions:
Inborn genetic diseases. Identifiers: MedGen C0950123, MeSH D030342.

Submission:

Ambry Genetics
Classification: Uncertain significance for Inborn genetic diseases. Last evaluated: 2026-05-14. Review status: criteria provided, single submitter. Criteria: Ambry Variant Classification Scheme 2023. Collection method: clinical testing. Allele origin: germline.
Comment: The p.G214V variant (also known as c.641G>T), located in coding exon 1 of the SH2B3 gene, results from a G to T substitution at nucleotide position 641. The glycine at codon 214 is replaced by valine, an amino acid with dissimilar properties. This amino acid position is conserved. In addition, the in silico prediction for this alteration is inconclusive. Based on the available evidence, the clinical significance of this variant remains unclear.

NM_005475.3(SH2B3):c.641G>T (p.Gly214Val)

Gene: SH2B3 (SH2B adaptor protein 3; plus strand). Cytogenetic location: 12q24.12.
Variant type: single nucleotide variant.
Coding change: c.641G>T on transcript NM_005475.3 (MANE Select); coding-DNA position 641, G replaced by T.
Protein change: p.Gly214Val; replaces glycine 214 with valine.
Molecular consequence: missense variant.
Genome position (GRCh38, 1-based): chr12:111,418,786, G>T. VCF-style: chr12-111418786-G-T. GRCh37 (hg19) VCF-style: chr12-111856590-G-T.
Other names: short protein forms G214V.
Identifiers: ClinVar variation 4864447 (VCV004864447.1).